The following is an entry in ClinVar:

ClinVar aggregate classification (germline): Uncertain significance (1 of 4 stars; one submission).

Submission:

GeneDx
Classification: Uncertain significance. Last evaluated: 2024-06-21. Review status: criteria provided, single submitter. Criteria: GeneDx Variant Classification Process June 2021. Collection method: clinical testing. Allele origin: germline. Affected: yes.
Comment: Not observed at significant frequency in large population cohorts (gnomAD); In silico analysis indicates that this missense variant does not alter protein structure/function; Has not been previously published as pathogenic or benign to our knowledge

NM_198503.5(KCNT2):c.1384G>A (p.Val462Ile)

Gene: KCNT2 (potassium sodium-activated channel subfamily T member 2; minus strand). Cytogenetic location: 1q31.3.
Variant type: single nucleotide variant.
Coding change: c.1384G>A on transcript NM_198503.5 (MANE Select); coding-DNA position 1384, G replaced by A.
Protein change: p.Val462Ile; replaces valine 462 with isoleucine.
Molecular consequence: missense variant. On other transcripts: non-coding transcript variant (1).
Genome position (GRCh38, 1-based): chr1:196,373,159, C>T on the plus strand (G>A on the coding strand, the complement: KCNT2 is on the minus strand). VCF-style: chr1-196373159-C-T. GRCh37 (hg19) VCF-style: chr1-196342289-C-T.
Other names: c.1384G>A, p.Val462Ile (NM_001287819.3, NM_001287820.3); short protein forms V462I.
Identifiers: ClinVar variation 3392712 (VCV003392712.1).